The following is an entry in ClinVar:

ClinVar aggregate classification (germline): Likely pathogenic (1 of 4 stars; one submission).

Conditions:
Familial X-linked hypophosphatemic vitamin D refractory rickets (XLHRD). Also called: Hypophosphatemic Rickets, X-Linked Dominant; Hypophosphatemia, vitamin D-resistant rickets; Vitamin D-resistant rickets, X-linked; X-Linked Hypophosphatemia; HYPOPHOSPHATEMIC VITAMIN D-RESISTANT RICKETS. Identifiers: Orphanet 89936, MedGen C0733682, MONDO:0010619, OMIM 307800.

Submission:

Clinical Biomedical Laboratory, Shriners Hospital For Children - Canada
Classification: Likely pathogenic for Familial X-linked hypophosphatemic vitamin D refractory rickets. Last evaluated: 2025-01-20. Review status: criteria provided, single submitter. Criteria: ACMG Guidelines, 2015. Collection method: clinical testing. Allele origin: germline. Inheritance: X-linked dominant inheritance. Affected: yes. Observed: 1 hemizygote.
Comment: This variant is predicted to substitute a lysine residue by an arginine residue in exon 12 of PHEX and introduce a stop codon 15 amino acids downstream. This is expected to lead to degradation of the affected transcript. Frameshift variants introducing a premature stop codon in PHEX are associated with X-linked hypophosphatemic rickets. Heterozygous loss-of-function variants in PHEX are an established cause of X-linked hypophosphatemic rickets (PMID 34806794). This variant has not been observed in a large study on apparently healthy adults (Genome Aggregation Database, v2.1.1.).

Literature cited by the submitters: PubMed 34806794.

NM_000444.6(PHEX):c.1403del (p.Lys468fs)

Gene: PHEX (phosphate regulating endopeptidase X-linked; plus strand). Cytogenetic location: Xp22.11.
Variant type: Deletion.
Coding change: c.1403del on transcript NM_000444.6 (MANE Select); coding-DNA position 1403, one base deleted (A; older notation c.1403delA).
Protein change: p.Lys468fs; shifts the reading frame from lysine 468.
Molecular consequence: frameshift variant.
Genome position (GRCh38, 1-based): chrX:22,133,623, A deleted; the last of 4 consecutive A bases (chrX:22,133,620-22,133,623); deleting any one gives the same sequence. VCF-style (leftmost placement, unchanged base first): chrX-22133619-GA-G. GRCh37 (hg19) VCF-style: chrX-22151736-GA-G.
Other names: c.1403del, p.Lys468fs (NM_001282754.2); short protein forms K468fs.
Identifiers: ClinVar variation 3773875 (VCV003773875.2).